The following is an entry in ClinVar:

NM_007294.4(BRCA1):c.2438dup (p.Leu814fs)

Gene: BRCA1 (BRCA1 DNA repair associated; minus strand). Cytogenetic location: 17q21.31.
Variant type: Duplication.
Coding change: c.2438dup on transcript NM_007294.4 (MANE Select); coding-DNA position 2438, one base duplicated (G; older notation c.2438dupG).
Protein change: p.Leu814fs; shifts the reading frame from leucine 814.
Molecular consequence: frameshift variant. On other transcripts: intron variant (137).
Genome position (GRCh38, 1-based): chr17:43,093,093, C duplicated on the plus strand (G on the coding strand, the reverse complement: BRCA1 is on the minus strand); the first of 3 consecutive C bases (chr17:43,093,093-43,093,095); duplicating any one gives the same sequence. VCF-style (leftmost placement, unchanged base first): chr17-43093092-T-TC. GRCh37 (hg19) VCF-style: chr17-41245109-T-TC.
Other names: 2557insG; c.2438dupG (NM_007294.3); c.2225dup, p.Leu743fs (NM_001407571.1, NM_001407853.1, NM_001407894.1 and 9 more transcripts); c.2438dup, p.Leu814fs (NM_001407581.1, NM_001407582.1, NM_001407583.1 and 30 more transcripts); c.2435dup, p.Leu813fs (NM_001407587.1, NM_001407590.1, NM_001407591.1 and 22 more transcripts); c.2429dup, p.Leu811fs (NM_001407646.1, NM_001407647.1); c.2315dup, p.Leu773fs (NM_001407648.1, NM_001407664.1, NM_001407665.1 and 19 more transcripts); c.2312dup, p.Leu772fs (NM_001407649.1, NM_001407670.1, NM_001407671.1 and 11 more transcripts); and 43 more; short protein forms L767fs, L814fs, L702fs, L725fs, L726fs, L772fs, L773fs, L813fs.
Identifiers: ClinVar variation 125568 (VCV000125568.4), dbSNP rs80357503, ClinGen allele CA001627.

ClinVar aggregate classification (germline): Pathogenic. Review status: reviewed by expert panel (3 of 4 stars). 3 submissions from 3 submitters: Pathogenic (1). 2 of the submissions do not count toward it. Last evaluated 2016-09-08.

Conditions:
Breast-ovarian cancer, familial, susceptibility to, 1 (BROVCA1). Also called: BRCA1 Hereditary Breast and Ovarian Cancer; OVARIAN CANCER, SUSCEPTIBILITY TO. Identifiers: Orphanet 145, MedGen C2676676, MONDO:0011450, OMIM 604370. Disease mechanism: loss of function.

Submissions (3):

Evidence-based Network for the Interpretation of Germline Mutant Alleles (ENIGMA)
Classification: Pathogenic for Breast-ovarian cancer, familial, susceptibility to, 1. Last evaluated: 2016-09-08. Review status: reviewed by expert panel. Criteria: ENIGMA BRCA1/2 Classification Criteria (2015). Collection method: curation. Allele origin: germline.
Comment: Variant allele predicted to encode a truncated non-functional protein.

Department of Medical Genetics, Oslo University Hospital
Classification: Pathogenic for Breast-ovarian cancer, familial, susceptibility to, 1. Last evaluated: 2015-07-01. Review status: criteria provided, single submitter. Criteria: ACMG Guidelines, 2015. Collection method: clinical testing. Allele origin: germline. Affected: yes. Observed: 2 variant alleles. Not counted in ClinVar's aggregate classification.

Breast Cancer Information Core (BIC) (BRCA1)
Classification: Pathogenic for Breast-ovarian cancer, familial 1. Last evaluated: 2003-01-22. Review status: no assertion criteria provided. Collection method: clinical testing. Allele origin: germline. Affected: yes. Observed: 1 variant allele. Not counted in ClinVar's aggregate classification.